The following is an entry in ClinVar:

ClinVar aggregate classification (germline): Pathogenic/Likely pathogenic. Review status: criteria provided, multiple submitters, no conflicts (2 of 4 stars). 5 submissions from 5 submitters: Pathogenic (1); Likely pathogenic (4). Last evaluated 2026-03-24.

Conditions:
OTOA-related disorder. Also called: OTOA-related condition.
Autosomal recessive nonsyndromic hearing loss 22. Identifiers: Orphanet 90636, MedGen C1846896, MONDO:0011762, OMIM 607039.

Allele frequency attached by ClinVar (database versions not stated): gnomAD 0.00001; TOPMed 0.00001; gnomAD exomes 0.00005 and 0.00006; ExAC 0.00008.
gnomAD v4.1: 76 of 1,610,486 alleles (0.0047%); highest among the groups gnomAD compares: Non-Finnish European, 0.006%; 1 homozygote.

Submissions (6):

PreventionGenetics, part of Exact Sciences
Classification: Likely pathogenic for OTOA-related condition. Last evaluated: 2026-03-24. Review status: criteria provided, single submitter. Criteria: ACMG Guidelines, 2015. Collection method: clinical testing. Allele origin: germline.
Comment: The OTOA c.399+2T>C variant is predicted to disrupt the GT donor site and interfere with normal splicing. To our knowledge, this variant has not been reported in the literature. This variant is reported in 0.012% of alleles in individuals of European (Non-Finnish) descent in gnomAD. Variants that disrupt the consensus splice donor site in OTOA are expected to be pathogenic. This variant is interpreted as likely pathogenic.

Clinical Genetics Laboratory, Skane University Hospital Lund
Classification: Likely pathogenic for Autosomal recessive nonsyndromic hearing loss 22. Last evaluated: 2025-12-12. Review status: criteria provided, single submitter. Criteria: ACMG Guidelines, 2015. Collection method: clinical testing. Allele origin: germline. Affected: yes.
Comment: ACMG criteria used: PVS1_Moderate, PM2_Supporting, PM3, PP1_Moderate

Labcorp Genetics (formerly Invitae), Labcorp
Classification: Likely pathogenic. Last evaluated: 2025-02-27. Review status: criteria provided, single submitter. Criteria: Invitae Variant Classification Sherloc (09022015). Collection method: clinical testing. Allele origin: germline.
Comment: This sequence change affects a donor splice site in intron 6 of the OTOA gene. It is expected to disrupt RNA splicing. Variants that disrupt the donor or acceptor splice site typically lead to a loss of protein function (PMID: 16199547), and loss-of-function variants in OTOA are known to be pathogenic (PMID: 11972037). This variant is present in population databases (rs760573914, gnomAD 0.01%). Disruption of this splice site has been observed in individual(s) with deafness (internal Data). ClinVar contains an entry for this variant (Variation ID: 1323389). Algorithms developed to predict the effect of sequence changes on RNA splicing suggest that this variant may disrupt the consensus splice site. In summary, the currently available evidence indicates that the variant is pathogenic, but additional data are needed to prove that conclusively. Therefore, this variant has been classified as Likely Pathogenic.

Blueprint Genetics
Classification: Likely pathogenic for OTOA-related disorders. Last evaluated: 2022-07-21. Review status: criteria provided, single submitter. Criteria: ACMG Guidelines, 2015. Collection method: clinical testing. Allele origin: germline. Affected: yes. Observed: 2 variant alleles.

Institute for Clinical Genetics, University Hospital TU Dresden, University Hospital TU Dresden
Classification: Pathogenic. Last evaluated: 2022-04-06. Review status: criteria provided, single submitter. Criteria: ACMG Guidelines, 2015. Collection method: clinical testing. Allele origin: germline.
Comment: PVS1, PM2_SUP

Dr. Peter K. Rogan Lab, Western University
No classification provided (evidence only). Condition: Sarcoma. Review status: no classification provided. Collection method: in vitro. Allele origin: not applicable. Functional consequence: retained intron. Not counted in ClinVar's aggregate classification.

Literature cited by the submitters: PubMed 16199547 (cited by Labcorp Genetics (formerly Invitae), Labcorp); PubMed 11972037 (cited by Labcorp Genetics (formerly Invitae), Labcorp).

NM_144672.4(OTOA):c.399+2T>C

Gene: OTOA (otoancorin). Cytogenetic location: 16p12.2.
Variant type: single nucleotide variant.
Coding change: c.399+2T>C on transcript NM_144672.4 (MANE Select); the canonical splice donor site of the intron after coding-DNA position 399, T replaced by C.
Molecular consequence: splice donor variant.
Genome position (GRCh38, 1-based): chr16:21,685,363, T>C. VCF-style: chr16-21685363-T-C. GRCh37 (hg19) VCF-style: chr16-21696684-T-C.
Other names: c.162+2T>C (NM_001161683.2).
Identifiers: ClinVar variation 1323389 (VCV001323389.15), dbSNP rs760573914, ClinGen allele CA7952289.